The following is an entry in ClinVar:

NM_007227.3(GPR45):c.968T>C (p.Val323Ala)

Gene: GPR45 (G protein-coupled receptor 45; plus strand). Cytogenetic location: 2q12.1.
Variant type: single nucleotide variant.
Coding change: c.968T>C on transcript NM_007227.3 (MANE Select); coding-DNA position 968, T replaced by C.
Protein change: p.Val323Ala; replaces valine 323 with alanine.
Molecular consequence: missense variant.
Genome position (GRCh38, 1-based): chr2:105,242,826, T>C. VCF-style: chr2-105242826-T-C. GRCh37 (hg19) VCF-style: chr2-105859283-T-C.
Other names: short protein forms V323A.
Identifiers: ClinVar variation 2771463 (VCV002771463.3), dbSNP rs2466839231, ClinGen allele CA348101618.

ClinVar aggregate classification (germline): Uncertain significance (1 of 4 stars; one submission).

Submission:

Labcorp Genetics (formerly Invitae), Labcorp
Classification: Uncertain significance. Last evaluated: 2023-11-01. Review status: criteria provided, single submitter. Criteria: Invitae Variant Classification Sherloc (09022015). Collection method: clinical testing. Allele origin: germline.
Comment: This sequence change replaces valine, which is neutral and non-polar, with alanine, which is neutral and non-polar, at codon 323 of the GPR45 protein (p.Val323Ala). This variant is not present in population databases (gnomAD no frequency). This variant has not been reported in the literature in individuals affected with GPR45-related conditions. An algorithm developed to predict the effect of missense changes on protein structure and function (PolyPhen-2) suggests that this variant is likely to be disruptive. In summary, the available evidence is currently insufficient to determine the role of this variant in disease. Therefore, it has been classified as a Variant of Uncertain Significance.